The following is an entry in ClinVar:

ClinVar aggregate classification (germline): Pathogenic (1 of 4 stars; one submission).

Submission:

Labcorp Genetics (formerly Invitae), Labcorp
Classification: Pathogenic. Last evaluated: 2023-06-13. Review status: criteria provided, single submitter. Criteria: Invitae Variant Classification Sherloc (09022015). Collection method: clinical testing. Allele origin: germline.
Comment: ClinVar contains an entry for this variant (Variation ID: 1403007). This sequence change creates a premature translational stop signal (p.Val62Trpfs*71) in the ADAMTSL4 gene. It is expected to result in an absent or disrupted protein product. Loss-of-function variants in ADAMTSL4 are known to be pathogenic (PMID: 20564469, 28642162). This variant is not present in population databases (gnomAD no frequency). This variant has not been reported in the literature in individuals affected with ADAMTSL4-related conditions. For these reasons, this variant has been classified as Pathogenic.

Literature cited by the submitters: PubMed 20564469; PubMed 28642162.

NM_019032.6(ADAMTSL4):c.184del (p.Val62fs)

Genes: ADAMTSL4 (ADAMTS like 4; plus strand), ADAMTSL4-AS2 (ADAMTSL4 antisense RNA 2; minus strand). Cytogenetic location: 1q21.2.
Variant type: Deletion.
Coding change: c.184del on transcript NM_019032.6 (MANE Select); coding-DNA position 184, one base deleted (G; older notation c.184delG).
Protein change: p.Val62fs; shifts the reading frame from valine 62.
Molecular consequence: frameshift variant.
Genome position (GRCh38, 1-based): chr1:150,553,003, G deleted; the last of 4 consecutive G bases (chr1:150,553,000-150,553,003); deleting any one gives the same sequence. VCF-style (leftmost placement, unchanged base first): chr1-150552999-CG-C. GRCh37 (hg19) VCF-style: chr1-150525475-CG-C.
Other names: c.184del, p.Val62fs (NM_001288607.2, NM_001288608.2, NM_001378596.1 and 1 more transcripts); short protein forms V62fs.
Identifiers: ClinVar variation 1403007 (VCV001403007.6), dbSNP rs2101568680, ClinGen allele CA2573131045.